The following is an entry in ClinVar:

ClinVar aggregate classification (germline): Conflicting classifications of pathogenicity. Review status: criteria provided, conflicting classifications (1 of 4 stars). 2 submissions from 2 submitters: Likely pathogenic (1); Uncertain significance (1). Last evaluated 2026-05-26.

Conditions:
Hereditary cancer-predisposing syndrome. Also called: Tumor predisposition; Neoplastic Syndromes, Hereditary; Hereditary neoplastic syndrome; Hereditary Cancer Syndrome. Identifiers: Orphanet 140162, MedGen C0027672, MeSH D009386, MONDO:0015356.

Submissions (2):

Ambry Genetics
Classification: Uncertain significance for Hereditary cancer-predisposing syndrome. Last evaluated: 2026-05-26. Review status: criteria provided, single submitter. Criteria: Ambry Variant Classification Scheme 2023. Collection method: clinical testing. Allele origin: germline.
Comment: The c.1686+2T>C intronic variant results from a T to C substitution two nucleotides after coding exon 15 in the POLE gene. Alterations that disrupt the canonical splice site are expected to result in aberrant splicing. In silico splice site analysis predicts that this alteration will weaken the native splice donor site. A resulting transcript is predicted to be in-frame and is not expected to trigger nonsense-mediated mRNAdecay; although, direct evidence is unavailable. This nucleotide position is highly conserved in available vertebrate species. Based on the available evidence, the clinical significance of this variant remains unclear.

Labcorp Genetics (formerly Invitae), Labcorp
Classification: Likely pathogenic. Last evaluated: 2024-05-25. Review status: criteria provided, single submitter. Criteria: Invitae Variant Classification Sherloc (09022015). Collection method: clinical testing. Allele origin: germline.
Comment: This sequence change affects a donor splice site in intron 15 of the POLE gene. It is expected to disrupt RNA splicing. Variants that disrupt the donor or acceptor splice site typically lead to a loss of protein function (PMID: 16199547), and loss-of-function variants in POLE are known to be pathogenic (PMID: 23230001, 25948378, 30503519). This variant is not present in population databases (gnomAD no frequency). This variant has not been reported in the literature in individuals affected with POLE-related conditions. ClinVar contains an entry for this variant (Variation ID: 861977). Algorithms developed to predict the effect of sequence changes on RNA splicing suggest that this variant may disrupt the consensus splice site. In summary, the currently available evidence indicates that the variant is pathogenic, but additional data are needed to prove that conclusively. Therefore, this variant has been classified as Likely Pathogenic.

Literature cited by the submitters: PubMed 16199547 (cited by Labcorp Genetics (formerly Invitae), Labcorp); PubMed 23230001 (cited by Labcorp Genetics (formerly Invitae), Labcorp); PubMed 25948378 (cited by Labcorp Genetics (formerly Invitae), Labcorp); PubMed 30503519 (cited by Labcorp Genetics (formerly Invitae), Labcorp).

NM_006231.4(POLE):c.1686+2T>C

Gene: POLE (DNA polymerase epsilon, catalytic subunit; minus strand). Cytogenetic location: 12q24.33.
Variant type: single nucleotide variant.
Coding change: c.1686+2T>C on transcript NM_006231.4 (MANE Select); the canonical splice donor site of the intron after coding-DNA position 1686, T replaced by C.
Molecular consequence: splice donor variant.
Genome position (GRCh38, 1-based): chr12:132,672,625, A>G on the plus strand (T>C on the coding strand, the complement: POLE is on the minus strand). VCF-style: chr12-132672625-A-G. GRCh37 (hg19) VCF-style: chr12-133249211-A-G.
Other names: c.1686+2T>C (NM_006231.2).
Identifiers: ClinVar variation 861977 (VCV000861977.11), dbSNP rs2042955507, ClinGen allele CA387356434.